The following is an entry in ClinVar:

ClinVar aggregate classification (germline): Uncertain significance (1 of 4 stars; one submission).

Conditions:
Charcot-Marie-Tooth disease dominant intermediate B (CMTDIB). Also called: CHARCOT-MARIE-TOOTH NEUROPATHY, DOMINANT INTERMEDIATE B; Charcot-Marie-Tooth disease dominant intermediate 1; CMT DI1; Charcot-Marie-Tooth disease dominant intermediate I. Identifiers: Orphanet 100044, Orphanet 228179, MedGen C1847902, MONDO:0011674, OMIM 606482.

gnomAD v4.1: 1 of 1,614,158 alleles (0.000062%); highest among the groups gnomAD compares: Non-Finnish European, 0.000085%; no homozygotes.

Submission:

Labcorp Genetics (formerly Invitae), Labcorp
Classification: Uncertain significance for Charcot-Marie-Tooth disease dominant intermediate B. Last evaluated: 2024-06-03. Review status: criteria provided, single submitter. Criteria: Invitae Variant Classification Sherloc (09022015). Collection method: clinical testing. Allele origin: germline.
Comment: This sequence change replaces asparagine, which is neutral and polar, with serine, which is neutral and polar, at codon 222 of the DNM2 protein (p.Asn222Ser). This variant is not present in population databases (gnomAD no frequency). This variant has not been reported in the literature in individuals affected with DNM2-related conditions. Advanced modeling of protein sequence and biophysical properties (such as structural, functional, and spatial information, amino acid conservation, physicochemical variation, residue mobility, and thermodynamic stability) has been performed at Invitae for this missense variant, however the output from this modeling did not meet the statistical confidence thresholds required to predict the impact of this variant on DNM2 protein function. In summary, the available evidence is currently insufficient to determine the role of this variant in disease. Therefore, it has been classified as a Variant of Uncertain Significance.

NM_001005361.3(DNM2):c.665A>G (p.Asn222Ser)

Gene: DNM2 (dynamin 2; plus strand). Cytogenetic location: 19p13.2.
Variant type: single nucleotide variant.
Coding change: c.665A>G on transcript NM_001005361.3 (MANE Select); coding-DNA position 665, A replaced by G.
Protein change: p.Asn222Ser; replaces asparagine 222 with serine.
Molecular consequence: missense variant.
Genome position (GRCh38, 1-based): chr19:10,777,193, A>G. VCF-style: chr19-10777193-A-G. GRCh37 (hg19) VCF-style: chr19-10887869-A-G.
Other names: c.665A>G, p.Asn222Ser (NM_001005360.3, NM_001005362.3, NM_001190716.2 and 1 more transcripts); short protein forms N222S.
Identifiers: ClinVar variation 3655379 (VCV003655379.2).